The following is an entry in ClinVar:

ClinVar aggregate classification (germline): Uncertain significance (1 of 4 stars; one submission).

Submission:

GeneDx
Classification: Uncertain significance. Last evaluated: 2023-06-16. Review status: criteria provided, single submitter. Criteria: GeneDx Variant Classification Process June 2021. Collection method: clinical testing. Allele origin: germline. Affected: yes.
Comment: Not observed at significant frequency in large population cohorts (gnomAD); In silico analysis supports that this missense variant does not alter protein structure/function; Has not been previously published as pathogenic or benign to our knowledge

NM_001271.4(CHD2):c.982C>A (p.Gln328Lys)

Gene: CHD2 (chromodomain helicase DNA binding protein 2; plus strand). Cytogenetic location: 15q26.1.
Variant type: single nucleotide variant.
Coding change: c.982C>A on transcript NM_001271.4 (MANE Select); coding-DNA position 982, C replaced by A.
Protein change: p.Gln328Lys; replaces glutamine 328 with lysine.
Molecular consequence: missense variant.
Genome position (GRCh38, 1-based): chr15:92,942,998, C>A. VCF-style: chr15-92942998-C-A. GRCh37 (hg19) VCF-style: chr15-93486228-C-A.
Other names: c.982C>A, p.Gln328Lys (NM_001042572.3); short protein forms Q328K.
Identifiers: ClinVar variation 3360028 (VCV003360028.1).